The following is an entry in ClinVar:

NM_005689.4(ABCB6):c.1083C>G (p.His361Gln)

Gene: ABCB6 (ATP binding cassette subfamily B member 6 (LAN blood group); minus strand). Cytogenetic location: 2q35.
Variant type: single nucleotide variant.
Coding change: c.1083C>G on transcript NM_005689.4 (MANE Select); coding-DNA position 1083, C replaced by G.
Protein change: p.His361Gln; replaces histidine 361 with glutamine.
Molecular consequence: missense variant.
Genome position (GRCh38, 1-based): chr2:219,216,068, G>C on the plus strand (C>G on the coding strand, the complement: ABCB6 is on the minus strand). VCF-style: chr2-219216068-G-C. GRCh37 (hg19) VCF-style: chr2-220080790-G-C.
Other names: c.945C>G, p.His315Gln (NM_001349828.2); short protein forms H315Q, H361Q.
Identifiers: ClinVar variation 2572719 (VCV002572719.2), dbSNP rs1460369200, ClinGen allele CA350639262.
Genomic context (GRCh38, chr2:219,216,068, plus strand): 5'-TGTGACACTGGATGTGCCCCGATCCGCGATCCGCAGCACCTCCCCTGTGCGGCGCCCCAG[G>C]TGCCAGCGCAGTGAGAGCTCGTGCAGGTGGGAGAAGATGAGCAGCTCCACCCGCCGAGAC-3'
Protein context (NP_005680.1, residues 351-371): SHLHELSLRW[His361Gln]LGRRTGEVLR

ClinVar aggregate classification (germline): Uncertain significance (1 of 4 stars; one submission).

Allele frequency attached by ClinVar (database versions not stated): TOPMed below 0.00001.

Submission:

GeneDx
Classification: Uncertain significance. Last evaluated: 2026-09-06. Review status: criteria provided, single submitter. Criteria: GeneDx Variant Classification Process June 2021. Collection method: clinical testing. Allele origin: germline.
Comment: Not observed at significant frequency in large population cohorts (gnomAD); In silico analysis supports that this missense variant has a deleterious effect on protein structure/function; Has not been previously published as pathogenic or benign to our knowledge